The following is an entry in ClinVar:

ClinVar aggregate classification (germline): Uncertain significance (1 of 4 stars; one submission).

Conditions:
Atypical hemolytic-uremic syndrome. Identifiers: Orphanet 2134, MedGen C2931788, MONDO:0016244.

Submission:

Genomenon, Inc
Classification: Uncertain significance for Atypical hemolytic-uremic syndrome. Last evaluated: 2025-10-02. Review status: criteria provided, single submitter. Criteria: Genomenon Sequence Variant Interpretation Standards - Updated. Collection method: curation. Allele origin: germline. Affected: yes.
Comment: CFH p.Cys1109Ser (c.3325T>A) is a missense variant that changes the amino acid at residue 1109 from Cysteine to Serine. This variant has been observed in at least one proband affected with atypical hemolytic-uremic syndrome (PMID:28798244). It is absent or not present at a significant frequency in gnomAD. In silico models agree that this variant is possibly or probably damaging. In conclusion, we classify CFH p.Cys1109Ser (c.3325T>A) as a variant of uncertain significance.

Literature cited by the submitters: PubMed 28798244.

NM_000186.4(CFH):c.3325T>A (p.Cys1109Ser)

Gene: CFH (complement factor H; plus strand). Cytogenetic location: 1q31.3.
Variant type: single nucleotide variant.
Coding change: c.3325T>A on transcript NM_000186.4 (MANE Select); coding-DNA position 3325, T replaced by A.
Protein change: p.Cys1109Ser; replaces cysteine 1109 with serine.
Molecular consequence: missense variant.
Genome position (GRCh38, 1-based): chr1:196,745,831, T>A. VCF-style: chr1-196745831-T-A. GRCh37 (hg19) VCF-style: chr1-196714961-T-A.
Other names: short protein forms C1109S.
Identifiers: ClinVar variation 4291556 (VCV004291556.1).